The following is an entry in ClinVar:

NM_000051.4(ATM):c.4273C>T (p.Gln1425Ter)

Gene: ATM (ATM serine/threonine kinase; plus strand). Cytogenetic location: 11q22.3.
Variant type: single nucleotide variant.
Coding change: c.4273C>T on transcript NM_000051.4 (MANE Select); coding-DNA position 4273, C replaced by T.
Protein change: p.Gln1425Ter; replaces glutamine 1425 with a stop codon.
Molecular consequence: nonsense.
Genome position (GRCh38, 1-based): chr11:108,289,638, C>T. VCF-style: chr11-108289638-C-T. GRCh37 (hg19) VCF-style: chr11-108160365-C-T.
Other names: c.4273C>T, p.Gln1425Ter (NM_001351834.2); short protein forms Q1425*.
Identifiers: ClinVar variation 3254095 (VCV003254095.1), dbSNP rs2135760052.

ClinVar aggregate classification (germline): Pathogenic (1 of 4 stars; one submission).

Conditions:
Familial cancer of breast. Also called: BREAST CANCER, FAMILIAL; Hereditary breast cancer; hereditary breast carcinoma. Identifiers: Orphanet 227535, MedGen C0346153, MONDO:0016419, OMIM 114480. Disease mechanism: loss of function.

Allele frequency attached by ClinVar (database versions not stated): gnomAD exomes below 0.00001.
gnomAD v4.1: 1 of 1,610,312 alleles (0.000062%); highest among the groups gnomAD compares: Non-Finnish European, 0.000085%; no homozygotes.

Submission:

Myriad Genetics, Inc.
Classification: Pathogenic for Familial cancer of breast. Last evaluated: 2024-04-23. Review status: criteria provided, single submitter. Criteria: Myriad Autosomal Dominant, Autosomal Recessive and X-Linked Classification Criteria (2023). Collection method: clinical testing. Allele origin: unknown.
Comment: This variant is considered pathogenic. This variant creates a termination codon and is predicted to result in premature protein truncation.